The following is an entry in ClinVar:

ClinVar aggregate classification (germline): Uncertain significance (1 of 4 stars; one submission).

Conditions:
Immunodeficiency, common variable, 4. Also called: ANTIBODY DEFICIENCY DUE TO BAFFR DEFECT. Identifiers: Orphanet 1572, Orphanet 696925, MedGen C3150739, MONDO:0013284, OMIM 613494.

Submission:

Labcorp Genetics (formerly Invitae), Labcorp
Classification: Uncertain significance for Immunodeficiency, common variable, 4. Last evaluated: 2023-07-18. Review status: criteria provided, single submitter. Criteria: Invitae Variant Classification Sherloc (09022015). Collection method: clinical testing. Allele origin: germline.
Comment: In summary, the available evidence is currently insufficient to determine the role of this variant in disease. Therefore, it has been classified as a Variant of Uncertain Significance. An algorithm developed to predict the effect of missense changes on protein structure and function (PolyPhen-2) suggests that this variant is likely to be tolerated. This variant has not been reported in the literature in individuals affected with TNFRSF13C-related conditions. This variant is not present in population databases (gnomAD no frequency). This sequence change replaces glycine, which is neutral and non-polar, with serine, which is neutral and polar, at codon 97 of the TNFRSF13C protein (p.Gly97Ser).

NM_052945.4(TNFRSF13C):c.289G>A (p.Gly97Ser)

Genes: TNFRSF13C (TNF receptor superfamily member 13C; minus strand), LOC130067574 (ATAC-STARR-seq lymphoblastoid silent region 13813; plus strand). Cytogenetic location: 22q13.2.
Variant type: single nucleotide variant.
Coding change: c.289G>A on transcript NM_052945.4 (MANE Select); coding-DNA position 289, G replaced by A.
Protein change: p.Gly97Ser; replaces glycine 97 with serine.
Molecular consequence: missense variant.
Genome position (GRCh38, 1-based): chr22:41,926,179, C>T on the plus strand (G>A on the coding strand, the complement: TNFRSF13C is on the minus strand). VCF-style: chr22-41926179-C-T. GRCh37 (hg19) VCF-style: chr22-42322183-C-T.
Other names: short protein forms G97S.
Identifiers: ClinVar variation 2878600 (VCV002878600.3), dbSNP rs2077628706, ClinGen allele CA411763132.